The following is an entry in ClinVar:

ClinVar aggregate classification (germline): Uncertain significance. Review status: criteria provided, multiple submitters, no conflicts (2 of 4 stars). 2 submissions from 2 submitters: Uncertain significance (2). Last evaluated 2023-12-31.

Conditions:
Amyotrophic lateral sclerosis type 19. Identifiers: Orphanet 803, MedGen C3715155, MONDO:0014223, OMIM 615515.

Allele frequency attached by ClinVar (database versions not stated): ExAC 0.00003; gnomAD 0.00003; gnomAD exomes 0.00003; TOPMed 0.00005; ESP Exome Variant Server 0.00008.
gnomAD v4.1: 53 of 1,612,332 alleles (0.0033%); highest among the groups gnomAD compares: Middle Eastern, 0.05%; no homozygotes.

Submissions (2):

Labcorp Genetics (formerly Invitae), Labcorp
Classification: Uncertain significance. Last evaluated: 2023-12-31. Review status: criteria provided, single submitter. Criteria: Invitae Variant Classification Sherloc (09022015). Collection method: clinical testing. Allele origin: germline.
Comment: This sequence change replaces alanine, which is neutral and non-polar, with threonine, which is neutral and polar, at codon 158 of the ERBB4 protein (p.Ala158Thr). This variant is present in population databases (rs375361752, gnomAD 0.02%). This variant has not been reported in the literature in individuals affected with ERBB4-related conditions. ClinVar contains an entry for this variant (Variation ID: 1983403). Advanced modeling of protein sequence and biophysical properties (such as structural, functional, and spatial information, amino acid conservation, physicochemical variation, residue mobility, and thermodynamic stability) performed at Invitae indicates that this missense variant is not expected to disrupt ERBB4 protein function with a negative predictive value of 80%. In summary, the available evidence is currently insufficient to determine the role of this variant in disease. Therefore, it has been classified as a Variant of Uncertain Significance.

Revvity Omics, Revvity
Classification: Uncertain significance for Amyotrophic lateral sclerosis type 19. Last evaluated: 2021-03-02. Review status: criteria provided, single submitter. Criteria: ACMG Guidelines, 2015. Collection method: clinical testing. Allele origin: germline.

NM_005235.3(ERBB4):c.472G>A (p.Ala158Thr)

Gene: ERBB4 (erb-b2 receptor tyrosine kinase 4; minus strand). Cytogenetic location: 2q34.
Variant type: single nucleotide variant.
Coding change: c.472G>A on transcript NM_005235.3 (MANE Select); coding-DNA position 472, G replaced by A.
Protein change: p.Ala158Thr; replaces alanine 158 with threonine.
Molecular consequence: missense variant.
Genome position (GRCh38, 1-based): chr2:211,788,109, C>T on the plus strand (G>A on the coding strand, the complement: ERBB4 is on the minus strand). VCF-style: chr2-211788109-C-T. GRCh37 (hg19) VCF-style: chr2-212652834-C-T.
Other names: c.472G>A, p.Ala158Thr (NM_001042599.2); short protein forms A158T.
Identifiers: ClinVar variation 1983403 (VCV001983403.7), dbSNP rs375361752, ClinGen allele CA2088427.